The following is an entry in ClinVar:

NM_000062.3(SERPING1):c.1000del (p.His334fs)

Gene: SERPING1 (serpin family G member 1; plus strand). Cytogenetic location: 11q12.1.
Variant type: Deletion.
Coding change: c.1000del on transcript NM_000062.3 (MANE Select); coding-DNA position 1000, one base deleted (C; older notation c.1000delC).
Protein change: p.His334fs; shifts the reading frame from histidine 334.
Molecular consequence: frameshift variant.
Genome position (GRCh38, 1-based): chr11:57,606,518, C deleted; the last of 3 consecutive C bases (chr11:57,606,516-57,606,518); deleting any one gives the same sequence. VCF-style (leftmost placement, unchanged base first): chr11-57606515-GC-G. GRCh37 (hg19) VCF-style: chr11-57373988-GC-G.
Other names: c.1000del, p.His334fs (NM_001032295.2); short protein forms H334fs.
Identifiers: ClinVar variation 4728518 (VCV004728518.1).

ClinVar aggregate classification (germline): Pathogenic (1 of 4 stars; one submission).

Submission:

Labcorp Genetics (formerly Invitae), Labcorp
Classification: Pathogenic. Last evaluated: 2025-10-05. Review status: criteria provided, single submitter. Criteria: Invitae Variant Classification Sherloc (09022015). Collection method: clinical testing. Allele origin: germline.
Comment: This sequence change creates a premature translational stop signal (p.His334Ilefs*7) in the SERPING1 gene. It is expected to result in an absent or disrupted protein product. Loss-of-function variants in SERPING1 are known to be pathogenic (PMID: 11112899, 24456027). This variant is not present in population databases (gnomAD no frequency). This variant has not been reported in the literature in individuals affected with SERPING1-related conditions. For these reasons, this variant has been classified as Pathogenic.

Literature cited by the submitters: PubMed 11112899; PubMed 24456027.